The following is an entry in ClinVar:

NM_173598.6(KSR2):c.179A>C (p.Glu60Ala)

Gene: KSR2 (kinase suppressor of ras 2; minus strand). Cytogenetic location: 12q24.23.
Variant type: single nucleotide variant.
Coding change: c.179A>C on transcript NM_173598.6 (MANE Select); coding-DNA position 179, A replaced by C.
Protein change: p.Glu60Ala; replaces glutamic acid 60 with alanine.
Molecular consequence: missense variant.
Genome position (GRCh38, 1-based): chr12:117,968,077, T>G on the plus strand (A>C on the coding strand, the complement: KSR2 is on the minus strand). VCF-style: chr12-117968077-T-G. GRCh37 (hg19) VCF-style: chr12-118405882-T-G.
Other names: short protein forms E60A.
Identifiers: ClinVar variation 3348834 (VCV003348834.1).

ClinVar aggregate classification (germline): Uncertain significance (0 of 4 stars; one submission).

Conditions:
KSR2-related disorder. Also called: KSR2-related condition.

Submission:

PreventionGenetics, part of Exact Sciences
Classification: Uncertain significance for KSR2-related condition. Last evaluated: 2024-03-25. Review status: no assertion criteria provided. Collection method: clinical testing. Allele origin: germline.
Comment: The KSR2 c.92A>C variant is predicted to result in the amino acid substitution p.Glu31Ala. To our knowledge, this variant has not been reported in the literature or in a large population database, indicating this variant is rare. At this time, the clinical significance of this variant is uncertain due to the absence of conclusive functional and genetic evidence.